The following is an entry in ClinVar:

ClinVar aggregate classification (germline): Benign/Likely benign. Review status: criteria provided, multiple submitters, no conflicts (2 of 4 stars). 2 submissions from 2 submitters: Benign (1); Likely benign (1). Last evaluated 2025-04-07.

Conditions:
Tuberous sclerosis 1 (TSC1). Identifiers: Orphanet 805, MedGen C1854465, MONDO:0008612, OMIM 191100.

Submissions (2):

Myriad Genetics, Inc.
Classification: Benign for Tuberous sclerosis 1. Last evaluated: 2025-04-07. Review status: criteria provided, single submitter. Criteria: Myriad Autosomal Dominant, Autosomal Recessive and X-Linked Classification Criteria (2023). Collection method: clinical testing. Allele origin: unknown.
Comment: This variant is considered benign. This variant is a silent/synonymous amino acid change and it is not expected to impact splicing.

Labcorp Genetics (formerly Invitae), Labcorp
Classification: Likely benign for Tuberous sclerosis 1. Last evaluated: 2021-04-27. Review status: criteria provided, single submitter. Criteria: Invitae Variant Classification Sherloc (09022015). Collection method: clinical testing. Allele origin: germline.

NM_000368.5(TSC1):c.129C>T (p.Asn43=)

Gene: TSC1 (TSC complex subunit 1; minus strand). Cytogenetic location: 9q34.13.
Variant type: single nucleotide variant.
Coding change: c.129C>T on transcript NM_000368.5 (MANE Select); coding-DNA position 129, C replaced by T.
Protein change: p.Asn43=; no amino-acid change (asparagine 43 retained).
Molecular consequence: synonymous variant. On other transcripts: intron variant (1).
Genome position (GRCh38, 1-based): chr9:132,927,282, G>A on the plus strand (C>T on the coding strand, the complement: TSC1 is on the minus strand). VCF-style: chr9-132927282-G-A. GRCh37 (hg19) VCF-style: chr9-135802669-G-A.
Other names: c.129C>T, p.Asn43= (NM_001162426.2, NM_001162427.2); c.-154+1485C>T (NM_001362177.2).
Identifiers: ClinVar variation 1124165 (VCV001124165.10), dbSNP rs2132270030, ClinGen allele CA467594295.